The following is an entry in ClinVar:

NM_203447.4(DOCK8):c.2736C>G (p.His912Gln)

Gene: DOCK8 (dedicator of cytokinesis 8; plus strand). Cytogenetic location: 9p24.3.
Variant type: single nucleotide variant.
Coding change: c.2736C>G on transcript NM_203447.4 (MANE Select); coding-DNA position 2736, C replaced by G.
Protein change: p.His912Gln; replaces histidine 912 with glutamine.
Molecular consequence: missense variant.
Genome position (GRCh38, 1-based): chr9:382,643, C>G. VCF-style: chr9-382643-C-G. GRCh37 (hg19) VCF-style: chr9-382643-C-G.
Other names: c.2532C>G, p.His844Gln (NM_001190458.2, NM_001193536.2); c.2736C>G (NM_203447.3); short protein forms H844Q, H912Q.
Identifiers: ClinVar variation 1495653 (VCV001495653.8), dbSNP rs747112580, ClinGen allele CA4958301.
Genomic context (GRCh38, chr9:382,643, plus strand): 5'-TTCAAAGCTGCTGCAGGCCCGGGTGATGAGCAGCAGTAACCCAGACCTCGCGGGGACACA[C>G]TCCGCAGCAGACGAGGAAGTGAAGAACATCATGTCTTCAAAGGTAGGAAAGATGTCAAAC-3'
Protein context (NP_982272.2, residues 902-922): SSSNPDLAGT[His912Gln]SAADEEVKNI

ClinVar aggregate classification (germline): Uncertain significance. Review status: criteria provided, multiple submitters, no conflicts (2 of 4 stars). 3 submissions from 3 submitters: Uncertain significance (3). Last evaluated 2023-05-23.

Conditions:
Hyper-IgE recurrent infection syndrome 3, autosomal recessive. Also called: Autosomal recessive hyper-IgE syndrome due to ZNF341 deficiency; HYPER-IgE SYNDROME 3, AUTOSOMAL RECESSIVE, WITH RECURRENT INFECTIONS. Identifiers: Orphanet 641368, MedGen C4748969, MONDO:0032654, OMIM 618282.
Inborn genetic diseases. Identifiers: MedGen C0950123, MeSH D030342.

Allele frequency attached by ClinVar (database versions not stated): gnomAD exomes below 0.00001; ExAC 0.00001.
gnomAD v4.1: 19 of 1,614,184 alleles (0.0012%); highest among the groups gnomAD compares: Non-Finnish European, 0.0015%; no homozygotes.

Submissions (3):

Ambry Genetics
Classification: Uncertain significance for Inborn genetic diseases. Last evaluated: 2023-05-23. Review status: criteria provided, single submitter. Criteria: Ambry Variant Classification Scheme 2023. Collection method: clinical testing. Allele origin: germline.

Blueprint Genetics
Classification: Uncertain significance. Last evaluated: 2022-03-17. Review status: criteria provided, single submitter. Criteria: ACMG Guidelines, 2015. Collection method: clinical testing. Allele origin: germline.

Labcorp Genetics (formerly Invitae), Labcorp
Classification: Uncertain significance for Combined immunodeficiency due to DOCK8 deficiency. Last evaluated: 2021-05-20. Review status: criteria provided, single submitter. Criteria: Invitae Variant Classification Sherloc (09022015). Collection method: clinical testing. Allele origin: germline.
Comment: In summary, the available evidence is currently insufficient to determine the role of this variant in disease. Therefore, it has been classified as a Variant of Uncertain Significance. Algorithms developed to predict the effect of missense changes on protein structure and function (SIFT, PolyPhen-2, Align-GVGD) all suggest that this variant is likely to be tolerated, but these predictions have not been confirmed by published functional studies and their clinical significance is uncertain. This variant has not been reported in the literature in individuals with DOCK8-related conditions. This variant is present in population databases (rs747112580, ExAC 0.002%). This sequence change replaces histidine with glutamine at codon 912 of the DOCK8 protein (p.His912Gln). The histidine residue is moderately conserved and there is a small physicochemical difference between histidine and glutamine.